The following is an entry in ClinVar:

ClinVar aggregate classification (germline): Uncertain significance. Review status: criteria provided, multiple submitters, no conflicts (2 of 4 stars). 2 submissions from 2 submitters: Uncertain significance (2). Last evaluated 2022-01-12.

Conditions:
Perlman syndrome (PRLMNS). Identifiers: Orphanet 2849, MedGen C0796113, MONDO:0009965, OMIM 267000.

Allele frequency attached by ClinVar (database versions not stated): gnomAD exomes below 0.00001; gnomAD 0.00001.
gnomAD v4.1: 4 of 1,613,880 alleles (0.00025%); highest among the groups gnomAD compares: Non-Finnish European, 0.00034%; no homozygotes.

Submissions (2):

Sema4
Classification: Uncertain significance for Perlman syndrome. Last evaluated: 2022-01-12. Review status: criteria provided, single submitter. Criteria: Sema4 Curation Guidelines. Collection method: curation. Allele origin: germline.
Comment: The DIS3L2 c.173A>T (p.D58V) variant has not been reported in the literature to our knowledge. It was observed in 1/249254 chromosomes across all populations, in the large and broad cohorts of the Genome Aggregation Database (PMID: 32461654). This variant has not been reported in ClinVar. Functional studies have not been performed, and in silico predictions of the variant's effect on protein function are inconclusive. The evidence is insufficient to meet ACMG/AMP criteria for classifying the variant as benign or pathogenic. Thus, the clinical significance of this variant is currently uncertain.

Labcorp Genetics (formerly Invitae), Labcorp
Classification: Uncertain significance for Perlman syndrome. Last evaluated: 2020-11-05. Review status: criteria provided, single submitter. Criteria: Invitae Variant Classification Sherloc (09022015). Collection method: clinical testing. Allele origin: germline.
Comment: This sequence change replaces aspartic acid with valine at codon 58 of the DIS3L2 protein (p.Asp58Val). The aspartic acid residue is moderately conserved and there is a large physicochemical difference between aspartic acid and valine. This variant is not present in population databases (ExAC no frequency). This variant has not been reported in the literature in individuals with DIS3L2-related conditions. Algorithms developed to predict the effect of missense changes on protein structure and function (SIFT, PolyPhen-2, Align-GVGD) all suggest that this variant is likely to be tolerated, but these predictions have not been confirmed by published functional studies and their clinical significance is uncertain. Algorithms developed to predict the effect of sequence changes on RNA splicing suggest that this variant may create or strengthen a splice site, but this prediction has not been confirmed by published transcriptional studies. In summary, the available evidence is currently insufficient to determine the role of this variant in disease. Therefore, it has been classified as a Variant of Uncertain Significance.

NM_152383.5(DIS3L2):c.173A>T (p.Asp58Val)

Gene: DIS3L2 (DIS3 like 3'-5' exoribonuclease 2; plus strand). Cytogenetic location: 2q37.1.
Variant type: single nucleotide variant.
Coding change: c.173A>T on transcript NM_152383.5 (MANE Select); coding-DNA position 173, A replaced by T.
Protein change: p.Asp58Val; replaces aspartic acid 58 with valine.
Molecular consequence: missense variant. On other transcripts: non-coding transcript variant (2).
Genome position (GRCh38, 1-based): chr2:232,015,634, A>T. VCF-style: chr2-232015634-A-T. GRCh37 (hg19) VCF-style: chr2-232880344-A-T.
Other names: c.173A>T, p.Asp58Val (NM_001257281.2, NM_001257282.2); short protein forms D58V.
Identifiers: ClinVar variation 1367598 (VCV001367598.9), dbSNP rs981586581, ClinGen allele CA67499256.